The following is an entry in ClinVar:

NM_005956.4(MTHFD1):c.2194G>A (p.Glu732Lys)

Gene: MTHFD1 (methylenetetrahydrofolate dehydrogenase, cyclohydrolase and formyltetrahydrofolate synthetase 1; plus strand). Cytogenetic location: 14q23.3.
Variant type: single nucleotide variant.
Coding change: c.2194G>A on transcript NM_005956.4 (MANE Select); coding-DNA position 2194, G replaced by A.
Protein change: p.Glu732Lys; replaces glutamic acid 732 with lysine.
Molecular consequence: missense variant.
Genome position (GRCh38, 1-based): chr14:64,448,232, G>A. VCF-style: chr14-64448232-G-A. GRCh37 (hg19) VCF-style: chr14-64914950-G-A.
Other names: c.2194G>A, p.Glu732Lys (NM_001364837.1); short protein forms E732K.
Identifiers: ClinVar variation 3699207 (VCV003699207.2).

ClinVar aggregate classification (germline): Uncertain significance (1 of 4 stars; one submission).

gnomAD v4.1: 3 of 1,613,932 alleles (0.00019%); highest among the groups gnomAD compares: Admixed American, 0.0017%; no homozygotes.

Submission:

Labcorp Genetics (formerly Invitae), Labcorp
Classification: Uncertain significance. Last evaluated: 2024-12-31. Review status: criteria provided, single submitter. Criteria: Invitae Variant Classification Sherloc (09022015). Collection method: clinical testing. Allele origin: germline.
Comment: This sequence change replaces glutamic acid, which is acidic and polar, with lysine, which is basic and polar, at codon 732 of the MTHFD1 protein (p.Glu732Lys). This variant is present in population databases (rs780221079, gnomAD 0.003%). This variant has not been reported in the literature in individuals affected with MTHFD1-related conditions. Invitae Evidence Modeling of protein sequence and biophysical properties (such as structural, functional, and spatial information, amino acid conservation, physicochemical variation, residue mobility, and thermodynamic stability) indicates that this missense variant is not expected to disrupt MTHFD1 protein function with a negative predictive value of 80%. In summary, the available evidence is currently insufficient to determine the role of this variant in disease. Therefore, it has been classified as a Variant of Uncertain Significance.